The following is an entry in ClinVar:

ClinVar aggregate classification (germline): Uncertain significance (1 of 4 stars; one submission).

Conditions:
Joubert syndrome. Also called: CEREBELLOPARENCHYMAL DISORDER IV; JOUBERT-BOLTSHAUSER SYNDROME; Familial aplasia of the vermis. Identifiers: Orphanet 475, MedGen C5979921, MONDO:0018772.
Orofaciodigital syndrome I (OFD1). Also called: OFDS I; Papillon-Leage and Psaume Syndrome; Oral-Facial-Digital Syndrome Type I. Identifiers: Orphanet 2750, MedGen C1510460, MONDO:0010702, OMIM 311200.

Submission:

Labcorp Genetics (formerly Invitae), Labcorp
Classification: Uncertain significance for Orofaciodigital syndrome I; Joubert syndrome. Last evaluated: 2024-10-12. Review status: criteria provided, single submitter. Criteria: Invitae Variant Classification Sherloc (09022015). Collection method: clinical testing. Allele origin: germline.
Comment: This sequence change replaces leucine, which is neutral and non-polar, with proline, which is neutral and non-polar, at codon 466 of the OFD1 protein (p.Leu466Pro). This variant is not present in population databases (gnomAD no frequency). This variant has not been reported in the literature in individuals affected with OFD1-related conditions. Invitae Evidence Modeling of protein sequence and biophysical properties (such as structural, functional, and spatial information, amino acid conservation, physicochemical variation, residue mobility, and thermodynamic stability) has been performed for this missense variant. However, the output from this modeling did not meet the statistical confidence thresholds required to predict the impact of this variant on OFD1 protein function. In summary, the available evidence is currently insufficient to determine the role of this variant in disease. Therefore, it has been classified as a Variant of Uncertain Significance.

NM_003611.3(OFD1):c.1397T>C (p.Leu466Pro)

Gene: OFD1 (OFD1 centriole and centriolar satellite protein; plus strand). Cytogenetic location: Xp22.2.
Variant type: single nucleotide variant.
Coding change: c.1397T>C on transcript NM_003611.3 (MANE Select); coding-DNA position 1397, T replaced by C.
Protein change: p.Leu466Pro; replaces leucine 466 with proline.
Molecular consequence: missense variant.
Genome position (GRCh38, 1-based): chrX:13,756,753, T>C. VCF-style: chrX-13756753-T-C. GRCh37 (hg19) VCF-style: chrX-13774872-T-C.
Other names: c.1277T>C, p.Leu426Pro (NM_001330209.2); c.977T>C, p.Leu326Pro (NM_001330210.2); short protein forms L426P, L326P, L466P.
Identifiers: ClinVar variation 2941165 (VCV002941165.3), dbSNP rs2518911243, ClinGen allele CA412342927.
Genomic context (GRCh38, chrX:13,756,753, plus strand): 5'-AGCTTCTGGCACAAAATAAATTACTTAAACAACAACTGGAAGAGAGTAGAAATGAAAACC[T>C]GCGTCTCCTAAACCGTATGTATTTTTCTTTTCTTCTGACTTGCGTGTTTTAGTAATTCGC-3'
Protein context (NP_003602.1, residues 456-476): QQLEESRNEN[Leu466Pro]RLLNRLAQPA